The following is an entry in ClinVar:

ClinVar aggregate classification (germline): Uncertain significance (1 of 4 stars; one submission).

Conditions:
Intellectual developmental disorder, X-linked, syndromic 14. Also called: Syndromic X-linked intellectual disability 14. Identifiers: Orphanet 776, MedGen C1970822, MONDO:0010398, OMIM 300676.

Submission:

Labcorp Genetics (formerly Invitae), Labcorp
Classification: Uncertain significance for Intellectual developmental disorder, X-linked, syndromic 14. Last evaluated: 2024-10-30. Review status: criteria provided, single submitter. Criteria: Invitae Variant Classification Sherloc (09022015). Collection method: clinical testing. Allele origin: germline.
Comment: This sequence change replaces threonine, which is neutral and polar, with isoleucine, which is neutral and non-polar, at codon 385 of the UPF3B protein (p.Thr385Ile). This variant is not present in population databases (gnomAD no frequency). This variant has not been reported in the literature in individuals affected with UPF3B-related conditions. Invitae Evidence Modeling of protein sequence and biophysical properties (such as structural, functional, and spatial information, amino acid conservation, physicochemical variation, residue mobility, and thermodynamic stability) indicates that this missense variant is not expected to disrupt UPF3B protein function with a negative predictive value of 80%. In summary, the available evidence is currently insufficient to determine the role of this variant in disease. Therefore, it has been classified as a Variant of Uncertain Significance.

NM_080632.3(UPF3B):c.1154C>T (p.Thr385Ile)

Gene: UPF3B (UPF3B regulator of nonsense mediated mRNA decay; minus strand). Cytogenetic location: Xq24.
Variant type: single nucleotide variant.
Coding change: c.1154C>T on transcript NM_080632.3 (MANE Select); coding-DNA position 1154, C replaced by T.
Protein change: p.Thr385Ile; replaces threonine 385 with isoleucine.
Molecular consequence: missense variant.
Genome position (GRCh38, 1-based): chrX:119,837,905, G>A on the plus strand (C>T on the coding strand, the complement: UPF3B is on the minus strand). VCF-style: chrX-119837905-G-A. GRCh37 (hg19) VCF-style: chrX-118971868-G-A.
Other names: c.1115C>T, p.Thr372Ile (NM_023010.4); short protein forms T385I, T372I.
Identifiers: ClinVar variation 3666482 (VCV003666482.2).